The following is an entry in ClinVar:

NM_000051.4(ATM):c.1669A>G (p.Met557Val)

Gene: ATM (ATM serine/threonine kinase; plus strand). Cytogenetic location: 11q22.3.
Variant type: single nucleotide variant.
Coding change: c.1669A>G on transcript NM_000051.4 (MANE Select); coding-DNA position 1669, A replaced by G.
Protein change: p.Met557Val; replaces methionine 557 with valine.
Molecular consequence: missense variant.
Genome position (GRCh38, 1-based): chr11:108,251,898, A>G. VCF-style: chr11-108251898-A-G. GRCh37 (hg19) VCF-style: chr11-108122625-A-G.
Other names: c.1669A>G, p.Met557Val (NM_001351834.2); short protein forms M557V.
Identifiers: ClinVar variation 573294 (VCV000573294.17), dbSNP rs1427517965, ClinGen allele CA382535109.

ClinVar aggregate classification (germline): Conflicting classifications of pathogenicity. Review status: criteria provided, conflicting classifications (1 of 4 stars). 4 submissions from 4 submitters: Uncertain significance (3); Likely benign (1). Last evaluated 2025-10-05.

Conditions:
Hereditary cancer-predisposing syndrome. Also called: Hereditary neoplastic syndrome; Neoplastic Syndromes, Hereditary; Hereditary Cancer Syndrome; Tumor predisposition. Identifiers: Orphanet 140162, MedGen C0027672, MeSH D009386, MONDO:0015356.
Ataxia-telangiectasia syndrome (AT). Also called: AT, COMPLEMENTATION GROUP C; Cerebello-oculocutaneous telangiectasia; Immunodeficiency with ataxia telangiectasia; Ataxia-telangiectasia, complementation group D; ATAXIA-TELANGIECTASIA, FRESNO VARIANT; Ataxia-telangiectasia, complementation group E. Identifiers: Orphanet 100, MedGen C0004135, MONDO:0008840, OMIM 208900.

Allele frequency attached by ClinVar (database versions not stated): gnomAD exomes below 0.00001.
gnomAD v4.1: 1 of 1,613,966 alleles (0.000062%); highest among the groups gnomAD compares: Admixed American, 0.0017%; no homozygotes.

Submissions (4):

Labcorp Genetics (formerly Invitae), Labcorp
Classification: Uncertain significance for Ataxia-telangiectasia syndrome. Last evaluated: 2025-10-05. Review status: criteria provided, single submitter. Criteria: Invitae Variant Classification Sherloc (09022015). Collection method: clinical testing. Allele origin: germline.
Comment: This sequence change replaces methionine, which is neutral and non-polar, with valine, which is neutral and non-polar, at codon 557 of the ATM protein (p.Met557Val). This variant is present in population databases (no rsID available, gnomAD 0.003%). This variant has not been reported in the literature in individuals affected with ATM-related conditions. ClinVar contains an entry for this variant (Variation ID: 573294). Invitae Evidence Modeling of protein sequence and biophysical properties (such as structural, functional, and spatial information, amino acid conservation, physicochemical variation, residue mobility, and thermodynamic stability) indicates that this missense variant is not expected to disrupt ATM protein function with a negative predictive value of 95%. In summary, the available evidence is currently insufficient to determine the role of this variant in disease. Therefore, it has been classified as a Variant of Uncertain Significance.

Ambry Genetics
Classification: Likely benign for Hereditary cancer-predisposing syndrome. Last evaluated: 2025-02-28. Review status: criteria provided, single submitter. Criteria: Ambry Variant Classification Scheme 2023. Collection method: clinical testing. Allele origin: germline.

Color Diagnostics, LLC DBA Color Health
Classification: Uncertain significance for Hereditary cancer-predisposing syndrome. Last evaluated: 2023-12-04. Review status: criteria provided, single submitter. Criteria: ACMG Guidelines, 2015. Collection method: clinical testing. Allele origin: germline.
Comment: This missense variant replaces methionine with valine at codon 557 of the ATM protein. Computational prediction suggests that this variant may not impact protein structure and function (internally defined REVEL score threshold <= 0.5, PMID: 27666373). To our knowledge, functional studies have not been reported for this variant. This variant has not been reported in individuals affected with ATM-related disorders in the literature. This variant has been identified in 1/251318 chromosomes in the general population by the Genome Aggregation Database (gnomAD). The available evidence is insufficient to determine the role of this variant in disease conclusively. Therefore, this variant is classified as a Variant of Uncertain Significance.

GeneDx
Classification: Uncertain significance. Last evaluated: 2019-10-03. Review status: criteria provided, single submitter. Criteria: GeneDx Variant Classification Process June 2021. Collection method: clinical testing. Allele origin: germline. Affected: yes.
Comment: Not observed at a significant frequency in large population cohorts (Lek 2016); In silico analysis, which includes protein predictors and evolutionary conservation, supports that this variant does not alter protein structure/function; Has not been previously published as pathogenic or benign to our knowledge